The following is an entry in ClinVar:

NM_181507.2(HPS5):c.3378C>T (p.Ser1126=)

Gene: HPS5 (HPS5 biogenesis of lysosomal organelles complex 2 subunit 2; minus strand). Cytogenetic location: 11p15.1.
Variant type: single nucleotide variant.
Coding change: c.3378C>T on transcript NM_181507.2 (MANE Select); coding-DNA position 3378, C replaced by T.
Protein change: p.Ser1126=; no amino-acid change (serine 1126 retained).
Molecular consequence: synonymous variant.
Genome position (GRCh38, 1-based): chr11:18,279,894, G>A on the plus strand (C>T on the coding strand, the complement: HPS5 is on the minus strand). VCF-style: chr11-18279894-G-A. GRCh37 (hg19) VCF-style: chr11-18301441-G-A.
Other names: c.3036C>T, p.Ser1012= (NM_007216.4, NM_181508.2).
Identifiers: ClinVar variation 747704 (VCV000747704.10), dbSNP rs200556683, ClinGen allele CA5909570.

ClinVar aggregate classification (germline): Likely benign. Review status: criteria provided, single submitter (1 of 4 stars). 2 submissions from 2 submitters: Likely benign (1). 1 of the submissions does not count toward it. Last evaluated 2026-01-24.

Conditions:
HPS5-related disorder. Also called: HPS5-related condition.

Allele frequency attached by ClinVar (database versions not stated): gnomAD exomes 0.00006; ESP Exome Variant Server 0.00008; gnomAD 0.00008 and 0.00010; TOPMed 0.00004; ExAC 0.00005.
gnomAD v4.1: 111 of 1,613,918 alleles (0.0069%); highest among the groups gnomAD compares: Admixed American, 0.0083%; 1 homozygote.

Submissions (2):

Labcorp Genetics (formerly Invitae), Labcorp
Classification: Likely benign. Last evaluated: 2026-01-24. Review status: criteria provided, single submitter. Criteria: Invitae Variant Classification Sherloc (09022015). Collection method: clinical testing. Allele origin: germline.

PreventionGenetics, part of Exact Sciences
Classification: Likely benign for HPS5-related condition. Last evaluated: 2024-07-17. Review status: no assertion criteria provided. Collection method: clinical testing. Allele origin: germline. Not counted in ClinVar's aggregate classification.
Comment: This variant is classified as likely benign based on ACMG/AMP sequence variant interpretation guidelines (Richards et al. 2015 PMID: 25741868, with internal and published modifications).